The following is an entry in ClinVar:

ClinVar aggregate classification (germline): Uncertain significance (1 of 4 stars; one submission).

gnomAD v4.1: 2 of 1,613,736 alleles (0.00012%); highest among the groups gnomAD compares: Non-Finnish European, 0.00017%; no homozygotes.

Submission:

Labcorp Genetics (formerly Invitae), Labcorp
Classification: Uncertain significance. Last evaluated: 2024-05-24. Review status: criteria provided, single submitter. Criteria: Invitae Variant Classification Sherloc (09022015). Collection method: clinical testing. Allele origin: germline.
Comment: This sequence change replaces glutamic acid, which is acidic and polar, with alanine, which is neutral and non-polar, at codon 1852 of the MTOR protein (p.Glu1852Ala). This variant is present in population databases (no rsID available, gnomAD 0.007%). This missense change has been observed in individual(s) with clinical features of Smith-Kingsmore syndrome (PMID: 31130284). Advanced modeling of protein sequence and biophysical properties (such as structural, functional, and spatial information, amino acid conservation, physicochemical variation, residue mobility, and thermodynamic stability) performed at Invitae indicates that this missense variant is not expected to disrupt MTOR protein function with a negative predictive value of 95%. In summary, the available evidence is currently insufficient to determine the role of this variant in disease. Therefore, it has been classified as a Variant of Uncertain Significance.

Literature cited by the submitters: PubMed 31130284.

NM_004958.4(MTOR):c.5555A>C (p.Glu1852Ala)

Gene: MTOR (mechanistic target of rapamycin kinase; minus strand). Cytogenetic location: 1p36.22.
Variant type: single nucleotide variant.
Coding change: c.5555A>C on transcript NM_004958.4 (MANE Select); coding-DNA position 5555, A replaced by C.
Protein change: p.Glu1852Ala; replaces glutamic acid 1852 with alanine.
Molecular consequence: missense variant.
Genome position (GRCh38, 1-based): chr1:11,130,587, T>G on the plus strand (A>C on the coding strand, the complement: MTOR is on the minus strand). VCF-style: chr1-11130587-T-G. GRCh37 (hg19) VCF-style: chr1-11190644-T-G.
Other names: c.5555A>C, p.Glu1852Ala (NM_001386500.1); c.4307A>C, p.Glu1436Ala (NM_001386501.1); short protein forms E1436A, E1852A.
Identifiers: ClinVar variation 3613256 (VCV003613256.2).